The following is an entry in ClinVar:

ClinVar aggregate classification (germline): Benign/Likely benign. Review status: criteria provided, multiple submitters, no conflicts (2 of 4 stars). 3 submissions from 3 submitters: Benign (2); Likely benign (1). Last evaluated 2026-08-01.

Allele frequency attached by ClinVar (database versions not stated): gnomAD exomes 0.00040 and 0.00107; ExAC 0.00131; ESP Exome Variant Server 0.00395; gnomAD 0.00418 and 0.00443; TOPMed 0.00483; 1000 Genomes Project 30x 0.00640; 1000 Genomes Project 0.00759.
gnomAD v4.1: 1,231 of 1,601,056 alleles (0.077%); highest among the groups gnomAD compares: African/African-American, 1.4%; 10 homozygotes.

Submissions (3):

CeGaT Center for Human Genetics Tuebingen
Classification: Likely benign. Last evaluated: 2026-08-01. Review status: criteria provided, single submitter. Criteria: CeGaT Center For Human Genetics Tuebingen Variant Classification Criteria Version 2. Collection method: clinical testing. Allele origin: germline. Affected: yes. Observed: 7 variant alleles.
Comment: LSS: BP4, BS1

Labcorp Genetics (formerly Invitae), Labcorp
Classification: Benign. Last evaluated: 2025-08-24. Review status: criteria provided, single submitter. Criteria: Invitae Variant Classification Sherloc (09022015). Collection method: clinical testing. Allele origin: germline.

Breakthrough Genomics
Classification: Benign. Review status: criteria provided, single submitter. Criteria: ACMG Guidelines, 2015. Collection method: not provided. Allele origin: germline. Inheritance: Autosomal recessive inheritance. Affected: yes.

NM_002340.6(LSS):c.92G>A (p.Arg31Lys)

Gene: LSS (lanosterol synthase; minus strand). Cytogenetic location: 21q22.3.
Variant type: single nucleotide variant.
Coding change: c.92G>A on transcript NM_002340.6 (MANE Select); coding-DNA position 92, G replaced by A.
Protein change: p.Arg31Lys; replaces arginine 31 with lysine.
Molecular consequence: missense variant. On other transcripts: 5 prime UTR variant (1).
Genome position (GRCh38, 1-based): chr21:46,228,522, C>T on the plus strand (G>A on the coding strand, the complement: LSS is on the minus strand). VCF-style: chr21-46228522-C-T. GRCh37 (hg19) VCF-style: chr21-47648436-C-T.
Other names: c.92G>A, p.Arg31Lys (NM_001001438.3, NM_001145436.2); c.-149G>A (NM_001145437.2); short protein forms R31K.
Identifiers: ClinVar variation 721064 (VCV000721064.34), dbSNP rs199791898, ClinGen allele CA10075602.